The following is an entry in ClinVar:

ClinVar aggregate classification (germline): Uncertain significance (1 of 4 stars; one submission).

Submission:

GeneDx
Classification: Uncertain significance. Last evaluated: 2024-02-13. Review status: criteria provided, single submitter. Criteria: GeneDx Variant Classification Process June 2021. Collection method: clinical testing. Allele origin: germline. Affected: yes.
Comment: In silico analysis supports that this missense variant does not alter protein structure/function; Has not been previously published as pathogenic or benign to our knowledge

NM_015057.5(MYCBP2):c.2174A>G (p.Lys725Arg)

Gene: MYCBP2 (MYC binding protein 2; minus strand). Cytogenetic location: 13q22.3.
Variant type: single nucleotide variant.
Coding change: c.2174A>G on transcript NM_015057.5 (MANE Select); coding-DNA position 2174, A replaced by G.
Protein change: p.Lys725Arg; replaces lysine 725 with arginine.
Molecular consequence: missense variant.
Genome position (GRCh38, 1-based): chr13:77,257,673, T>C on the plus strand (A>G on the coding strand, the complement: MYCBP2 is on the minus strand). VCF-style: chr13-77257673-T-C. GRCh37 (hg19) VCF-style: chr13-77831808-T-C.
Other names: short protein forms K725R.
Identifiers: ClinVar variation 3369233 (VCV003369233.1).